The following is an entry in ClinVar:

NM_001130082.3(PLXNB1):c.1815C>T (p.Tyr605=)

Gene: PLXNB1 (plexin B1; minus strand). Cytogenetic location: 3p21.31.
Variant type: single nucleotide variant.
Coding change: c.1815C>T on transcript NM_001130082.3 (MANE Select); coding-DNA position 1815, C replaced by T.
Protein change: p.Tyr605=; no amino-acid change (tyrosine 605 retained).
Molecular consequence: synonymous variant.
Genome position (GRCh38, 1-based): chr3:48,420,952, G>A on the plus strand (C>T on the coding strand, the complement: PLXNB1 is on the minus strand). VCF-style: chr3-48420952-G-A. GRCh37 (hg19) VCF-style: chr3-48462361-G-A.
Other names: c.1815C>T, p.Tyr605= (NM_002673.6).
Identifiers: ClinVar variation 3049858 (VCV003049858.2), dbSNP rs138006677, ClinGen allele CA2374992.

ClinVar aggregate classification (germline): Likely benign (0 of 4 stars; one submission).

Conditions:
PLXNB1-related disorder. Also called: PLXNB1-related condition.

Allele frequency attached by ClinVar (database versions not stated): ESP Exome Variant Server 0.00008; gnomAD exomes 0.00008; ExAC 0.00015; TOPMed 0.00017; gnomAD 0.00018.
gnomAD v4.1: 151 of 1,611,980 alleles (0.0094%); highest among the groups gnomAD compares: Middle Eastern, 0.36%; no homozygotes.

Submission:

PreventionGenetics, part of Exact Sciences
Classification: Likely benign for PLXNB1-related condition. Last evaluated: 2019-07-12. Review status: no assertion criteria provided. Collection method: clinical testing. Allele origin: germline.
Comment: This variant is classified as likely benign based on ACMG/AMP sequence variant interpretation guidelines (Richards et al. 2015 PMID: 25741868, with internal and published modifications).